The following is an entry in ClinVar:

NM_000051.4(ATM):c.3575A>G (p.Lys1192Arg)

Gene: ATM (ATM serine/threonine kinase; plus strand). Cytogenetic location: 11q22.3.
Variant type: single nucleotide variant.
Coding change: c.3575A>G on transcript NM_000051.4 (MANE Select); coding-DNA position 3575, A replaced by G.
Protein change: p.Lys1192Arg; replaces lysine 1192 with arginine.
Molecular consequence: missense variant.
Genome position (GRCh38, 1-based): chr11:108,281,167, A>G. VCF-style: chr11-108281167-A-G. GRCh37 (hg19) VCF-style: chr11-108151894-A-G.
Other names: c.3575A>G, p.Lys1192Arg (NM_001351834.2); short protein forms K1192R.
Identifiers: ClinVar variation 489535 (VCV000489535.20), dbSNP rs1555091451, ClinGen allele CA382520789.

ClinVar aggregate classification (germline): Uncertain significance. Review status: criteria provided, multiple submitters, no conflicts (2 of 4 stars). 6 submissions from 6 submitters: Uncertain significance (5). 1 of the submissions does not count toward it. Last evaluated 2026-05-20.

Conditions:
Hereditary cancer-predisposing syndrome. Also called: Tumor predisposition; Hereditary Cancer Syndrome; Neoplastic Syndromes, Hereditary; Hereditary neoplastic syndrome. Identifiers: Orphanet 140162, MedGen C0027672, MeSH D009386, MONDO:0015356.
Ataxia-telangiectasia syndrome (AT). Also called: Cerebello-oculocutaneous telangiectasia; Immunodeficiency with ataxia telangiectasia; Ataxia telangiectasia (A-T); LOUIS-BAR SYNDROME; Ataxia-telangiectasia, complementation group E; Ataxia-telangiectasia, complementation group D. Identifiers: Orphanet 100, MedGen C0004135, MONDO:0008840, OMIM 208900.

Submissions (6):

Women's Health and Genetics/Laboratory Corporation of America, LabCorp
Classification: Uncertain significance. Last evaluated: 2026-05-20. Review status: criteria provided, single submitter. Criteria: LabCorp Variant Classification Summary - May 2015. Collection method: clinical testing. Allele origin: germline.
Comment: Variant summary: ATM c.3575A>G (p.Lys1192Arg) results in a conservative amino acid change in the encoded protein sequence near a canonical splice site. Algorithms developed to predict the effect of missense changes on protein structure and function are either unavailable or do not agree on the potential impact of this missense change. Several computational tools predict a significant impact on normal splicing: Two predict the variant abolishes the canonical 5' splicing donor site and two predict the variant weakens the 5' donor site. However, these predictions have yet to be confirmed by functional studies. The variant was absent in 251126 control chromosomes. The available data on variant occurrences in the general population are insufficient to allow any conclusion about variant significance. c.3575A>G has been observed in individuals affected with multiple primary cancers (Shin_2025). This report does not provide unequivocal conclusions about association of the variant with disease. To our knowledge, no experimental evidence demonstrating an impact on protein function has been reported. The following publication has been ascertained in the context of this evaluation (PMID: 41156180). ClinVar contains an entry for this variant (Variation ID: 489535). Based on the evidence outlined above, the variant was classified as uncertain significance.

Ambry Genetics
Classification: Uncertain significance for Hereditary cancer-predisposing syndrome. Last evaluated: 2025-09-05. Review status: criteria provided, single submitter. Criteria: Ambry Variant Classification Scheme 2023. Collection method: clinical testing. Allele origin: germline.
Comment: The p.K1192R variant (also known as c.3575A>G), located in coding exon 23 of the ATM gene, results from an A to G substitution at nucleotide position 3575. The lysine at codon 1192 is replaced by arginine, an amino acid with highly similar properties. This amino acid position is highly conserved in available vertebrate species. In addition, the in silico prediction for this alteration is inconclusive. Since supporting evidence is limited at this time, the clinical significance of this alteration remains unclear.

Color Diagnostics, LLC DBA Color Health
Classification: Uncertain significance for Hereditary cancer-predisposing syndrome. Last evaluated: 2021-12-29. Review status: criteria provided, single submitter. Criteria: ACMG Guidelines, 2015. Collection method: clinical testing. Allele origin: germline.
Comment: This missense variant is located at the second to last nucleotide of exon 24 and replaces lysine with arginine at codon 1192 of the ATM protein. Algorithms that predict impact on splicing yield conflicting results. Computational prediction suggests that this variant may not impact protein structure and function (internally defined REVEL score threshold <= 0.5, PMID: 27666373). To our knowledge, functional studies have not been reported for this variant. This variant has not been reported in individuals affected with hereditary cancer in the literature. This variant has not been identified in the general population by the Genome Aggregation Database (gnomAD). The available evidence is insufficient to determine the role of this variant in disease conclusively. Therefore, this variant is classified as a Variant of Uncertain Significance.

Labcorp Genetics (formerly Invitae), Labcorp
Classification: Uncertain significance for Ataxia-telangiectasia syndrome. Last evaluated: 2021-08-31. Review status: criteria provided, single submitter. Criteria: Invitae Variant Classification Sherloc (09022015). Collection method: clinical testing. Allele origin: germline.
Comment: This sequence change replaces lysine with arginine at codon 1192 of the ATM protein (p.Lys1192Arg). The lysine residue is highly conserved and there is a small physicochemical difference between lysine and arginine. This variant is not present in population databases (ExAC no frequency). This variant has not been reported in the literature in individuals affected with ATM-related conditions. ClinVar contains an entry for this variant (Variation ID: 489535). Algorithms developed to predict the effect of missense changes on protein structure and function are either unavailable or do not agree on the potential impact of this missense change (SIFT: "Deleterious"; PolyPhen-2: "Benign"; Align-GVGD: "Class C25"). Algorithms developed to predict the effect of sequence changes on RNA splicing suggest that this variant may disrupt the consensus splice site. In summary, the available evidence is currently insufficient to determine the role of this variant in disease. Therefore, it has been classified as a Variant of Uncertain Significance.

Sema4
Classification: Uncertain significance for Hereditary cancer-predisposing syndrome. Last evaluated: 2021-07-01. Review status: criteria provided, single submitter. Criteria: Sema4 Curation Guidelines. Collection method: curation. Allele origin: germline.
Comment: To the best of our knowledge, the ATM c.3575A>G (p.K1192R) variant has not been reported in individuals with ATM-related disease. It was not observed in the large and broad cohorts of the Genome Aggregation Database (PMID: 32461654). The variant has been reported in ClinVar (Variation ID 489535). In silico tools suggest the impact of the variant on protein function is inconclusive, though these predictions have not been confirmed by functional studies. The evidence is insufficient to meet ACMG/AMP criteria for classifying the variant as benign or pathogenic. Thus, the clinical significance of this variant is currently uncertain.

Natera, Inc.
Classification: Uncertain significance for Ataxia-telangiectasia. Last evaluated: 2025-02-17. Review status: no assertion criteria provided. Collection method: clinical testing. Allele origin: germline. Not counted in ClinVar's aggregate classification.

Literature cited by the submitters: PubMed 41156180 (cited by Women's Health and Genetics/Laboratory Corporation of America, LabCorp).